The following is an entry in ClinVar:

NM_001184.4(ATR):c.3450+1G>C

Gene: ATR (ATR checkpoint kinase; minus strand). Cytogenetic location: 3q23.
Variant type: single nucleotide variant.
Coding change: c.3450+1G>C on transcript NM_001184.4 (MANE Select); the canonical splice donor site of the intron after coding-DNA position 3450, G replaced by C.
Molecular consequence: splice donor variant.
Genome position (GRCh38, 1-based): chr3:142,542,664, C>G on the plus strand (G>C on the coding strand, the complement: ATR is on the minus strand). VCF-style: chr3-142542664-C-G. GRCh37 (hg19) VCF-style: chr3-142261506-C-G.
Other names: c.3258+1G>C (NM_001354579.2).
Identifiers: ClinVar variation 4528274 (VCV004528274.1).

ClinVar aggregate classification (germline): Likely pathogenic (1 of 4 stars; one submission).

Submission:

GeneDx
Classification: Likely pathogenic. Last evaluated: 2025-05-01. Review status: criteria provided, single submitter. Criteria: GeneDx Variant Classification Process June 2021. Collection method: clinical testing. Allele origin: germline. Affected: yes.
Comment: Canonical splice site variant predicted to result in an in-frame loss of the adjacent exon in a gene for which loss of function is a known mechanism of disease; Not observed at significant frequency in large population cohorts (gnomAD); Identified as a de novo variant in an individual in a large cohort of patients with neurodevelopmental phenotypes (PMID: 35982159, 33057194); This variant is associated with the following publications: (PMID: 33057194, 35982159)